The following is an entry in ClinVar:

NM_000533.5(PLP1):c.658T>C (p.Cys220Arg)

Genes: PLP1 (proteolipid protein 1; plus strand), RAB9B (RAB9B, member RAS oncogene family; minus strand). Cytogenetic location: Xq22.2.
Variant type: single nucleotide variant.
Coding change: c.658T>C on transcript NM_000533.5 (MANE Select); coding-DNA position 658, T replaced by C.
Protein change: p.Cys220Arg; replaces cysteine 220 with arginine.
Molecular consequence: missense variant.
Genome position (GRCh38, 1-based): chrX:103,788,472, T>C. VCF-style: chrX-103788472-T-C. GRCh37 (hg19) VCF-style: chrX-103043401-T-C.
Other names: c.658T>C, p.Cys220Arg (NM_001128834.3); c.493T>C, p.Cys165Arg (NM_001305004.1); c.553T>C, p.Cys185Arg (NM_199478.3); short protein forms C165R, C185R, C220R.
Identifiers: ClinVar variation 3255447 (VCV003255447.2), dbSNP rs1556270312.
Genomic context (GRCh38, chrX:103,788,472, plus strand): 5'-TGCTTGCTTTTTGTGTCTTACTTAGGTGTTCTCCCATGGAATGCTTTCCCTGGCAAGGTT[T>C]GTGGCTCCAACCTTCTGTCCATCTGCAAAACAGCTGAGGTGAGTGGGTTATTTGGGTTAT-3'
Protein context (NP_000524.3, residues 210-230): LPWNAFPGKV[Cys220Arg]GSNLLSICKT

ClinVar aggregate classification (germline): Likely pathogenic (1 of 4 stars; one submission).

Conditions:
Pelizaeus-Merzbacher disease. Also called: LEUKODYSTROPHY, HYPOMYELINATING, 1; Sudanophilic leukodystrophy; Pelizaeus-Merzbacher spectrum disorder; Pelizaeus-Merzbacher Disease (PMD); Pelizeaus-Merzbacher spectrum disorder. Identifiers: Orphanet 702, MedGen C0205711, MONDO:0010714, OMIM 312080, HP:0003269.

Submission:

Molecular Diagnostics Lab, Nemours Children's Health, Delaware
Classification: Likely pathogenic for Pelizaeus-Merzbacher disease. Last evaluated: 2021-12-29. Review status: criteria provided, single submitter. Criteria: ACMG Guidelines, 2015. Collection method: clinical testing. Allele origin: unknown. Inheritance: X-linked inheritance. Affected: yes. Observed: 1 hemizygote.
Comment: This missense variant (c.658T>C, p.Cys220Arg) has not been observed in population databases (gnomAD). It has not been described in the literature. Variant prediction programs support a deleterious effect on the protein, although no functional studies have been published.